The following is an entry in ClinVar:

NM_001267550.2(TTN):c.34843C>T (p.Pro11615Ser)

Gene: TTN (titin; minus strand). Cytogenetic location: 2q31.2.
Variant type: single nucleotide variant.
Coding change: c.34843C>T on transcript NM_001267550.2 (MANE Select); coding-DNA position 34843, C replaced by T.
Protein change: p.Pro11615Ser; replaces proline 11615 with serine.
Molecular consequence: missense variant. On other transcripts: intron variant (3).
Genome position (GRCh38, 1-based): chr2:178,672,647, G>A on the plus strand (C>T on the coding strand, the complement: TTN is on the minus strand). VCF-style: chr2-178672647-G-A. GRCh37 (hg19) VCF-style: chr2-179537374-G-A.
Other names: c.30940C>T, p.Pro10314Ser (NM_133378.4); c.33721C>T, p.Pro11241Ser (NM_001256850.1); c.13283-30330C>T (NM_003319.4); c.13859-30330C>T (NM_133437.4); c.13658-30330C>T (NM_133432.3); short protein forms P10314S, P11615S, P11241S.
Identifiers: ClinVar variation 179303 (VCV000179303.5), dbSNP rs727504775, ClinGen allele CA184157.

ClinVar aggregate classification (germline): Uncertain significance (1 of 4 stars; one submission).

Allele frequency attached by ClinVar (database versions not stated): gnomAD exomes 0.00001; gnomAD 0.00001.
gnomAD v4.1: 6 of 1,611,206 alleles (0.00037%); highest among the groups gnomAD compares: Admixed American, 0.0017%; no homozygotes.

Submission:

Laboratory for Molecular Medicine, Mass General Brigham Personalized Medicine
Classification: Uncertain significance. Last evaluated: 2013-09-24. Review status: criteria provided, single submitter. Criteria: LMM Criteria. Collection method: clinical testing. Allele origin: germline. Observed: 1 variant allele.
Comment: The Pro10314Ser variant in TTN has not been previously reported in individuals w ith cardiomyopathy or in large population studies. Computational analyses (bioch emical amino acid properties, conservation, AlignGVGD, PolyPhen2, and SIFT) do n ot provide strong support for or against an impact to the protein. Additional in formation is needed to fully assess the clinical significance of this variant.